The following is an entry in ClinVar:

NM_000075.4(CDK4):c.613G>A (p.Ala205Thr)

Gene: CDK4 (cyclin dependent kinase 4; minus strand). Cytogenetic location: 12q14.1.
Variant type: single nucleotide variant.
Coding change: c.613G>A on transcript NM_000075.4 (MANE Select); coding-DNA position 613, G replaced by A.
Protein change: p.Ala205Thr; replaces alanine 205 with threonine.
Molecular consequence: missense variant.
Genome position (GRCh38, 1-based): chr12:57,750,675, C>T on the plus strand (G>A on the coding strand, the complement: CDK4 is on the minus strand). VCF-style: chr12-57750675-C-T. GRCh37 (hg19) VCF-style: chr12-58144458-C-T.
Other names: short protein forms A205T.
Identifiers: ClinVar variation 641595 (VCV000641595.9), dbSNP rs368013594, ClinGen allele CA237844110.

ClinVar aggregate classification (germline): Uncertain significance. Review status: criteria provided, multiple submitters, no conflicts (2 of 4 stars). 3 submissions from 3 submitters: Uncertain significance (3). Last evaluated 2025-10-18.

Conditions:
Hereditary cancer-predisposing syndrome. Also called: Neoplastic Syndromes, Hereditary; Tumor predisposition; Hereditary neoplastic syndrome; Hereditary Cancer Syndrome. Identifiers: Orphanet 140162, MedGen C0027672, MeSH D009386, MONDO:0015356.
Familial melanoma. Also called: Hereditary melanoma; Hereditary cutaneous melanoma. Identifiers: Orphanet 618, MedGen C1512419, MONDO:0018961.

Allele frequency attached by ClinVar (database versions not stated): TOPMed 0.00001; ESP Exome Variant Server 0.00008.

Submissions (3):

Quest Diagnostics Nichols Institute San Juan Capistrano
Classification: Uncertain significance. Last evaluated: 2025-10-18. Review status: criteria provided, single submitter. Criteria: Quest Diagnostics criteria. Collection method: clinical testing. Allele origin: unknown.
Comment: The CDK4 c.613G>A (p.Ala205Thr) variant has not been reported in individuals with CDK4-related conditions in the published literature. This variant has not been reported in large, multi-ethnic general populations (Genome Aggregation Database). Analysis of this variant using bioinformatics tools for the prediction of the effect of amino acid changes on protein structure and function yielded predictions that this variant is damaging. Based on the available information, we are unable to determine the clinical significance of this variant.

Labcorp Genetics (formerly Invitae), Labcorp
Classification: Uncertain significance for Familial melanoma. Last evaluated: 2024-03-01. Review status: criteria provided, single submitter. Criteria: Invitae Variant Classification Sherloc (09022015). Collection method: clinical testing. Allele origin: germline.
Comment: This sequence change replaces alanine, which is neutral and non-polar, with threonine, which is neutral and polar, at codon 205 of the CDK4 protein (p.Ala205Thr). This variant is not present in population databases (gnomAD no frequency). This variant has not been reported in the literature in individuals affected with CDK4-related conditions. ClinVar contains an entry for this variant (Variation ID: 641595). Advanced modeling of protein sequence and biophysical properties (such as structural, functional, and spatial information, amino acid conservation, physicochemical variation, residue mobility, and thermodynamic stability) performed at Invitae indicates that this missense variant is expected to disrupt CDK4 protein function with a positive predictive value of 95%. In summary, the available evidence is currently insufficient to determine the role of this variant in disease. Therefore, it has been classified as a Variant of Uncertain Significance.

Ambry Genetics
Classification: Uncertain significance for Hereditary cancer-predisposing syndrome. Last evaluated: 2024-02-23. Review status: criteria provided, single submitter. Criteria: Ambry Variant Classification Scheme 2023. Collection method: clinical testing. Allele origin: germline.
Comment: The p.A205T variant (also known as c.613G>A), located in coding exon 4 of the CDK4 gene, results from a G to A substitution at nucleotide position 613. The alanine at codon 205 is replaced by threonine, an amino acid with similar properties. This amino acid position is highly conserved in available vertebrate species. In addition, the in silico prediction for this alteration is inconclusive. Since supporting evidence is limited at this time, the clinical significance of this alteration remains unclear.

Literature cited by the submitters: PubMed 26252490 (cited by Quest Diagnostics Nichols Institute San Juan Capistrano).